The following is an entry in ClinVar:

ClinVar aggregate classification (germline): Uncertain significance (1 of 4 stars; one submission).

Submission:

GeneDx
Classification: Uncertain significance. Last evaluated: 2022-01-10. Review status: criteria provided, single submitter. Criteria: GeneDx Variant Classification Process June 2021. Collection method: clinical testing. Allele origin: germline. Affected: yes.
Comment: Has not been previously published as pathogenic or benign to our knowledge; Not observed at significant frequency in large population cohorts (gnomAD); In-silico analysis is inconclusive as to whether the variant alters gene splicing. In the absence of RNA/functional studies, the actual effect of this sequence change is unknown.

NM_004523.4(KIF11):c.698+4A>G

Gene: KIF11 (kinesin family member 11; plus strand). Cytogenetic location: 10q23.33.
Variant type: single nucleotide variant.
Coding change: c.698+4A>G on transcript NM_004523.4 (MANE Select); 4 bases into the intron after coding-DNA position 698, A replaced by G.
Molecular consequence: intron variant.
Genome position (GRCh38, 1-based): chr10:92,609,513, A>G. VCF-style: chr10-92609513-A-G. GRCh37 (hg19) VCF-style: chr10-94369270-A-G.
Identifiers: ClinVar variation 1695673 (VCV001695673.2), dbSNP rs2135902958, ClinGen allele CA2580082398.